The following is an entry in ClinVar:

ClinVar aggregate classification (germline): Pathogenic. Review status: criteria provided, multiple submitters, no conflicts (2 of 4 stars). 9 submissions from 9 submitters: Pathogenic (6). 3 of the submissions do not count toward it. Last evaluated 2026-09-04.

Conditions:
KRT17-related disorders.
Pachyonychia congenita 2 (PC2). Also called: KRT17-Related Pachyonychia Congenita; Jackson-Lawler syndrome; PACHYONYCHIA CONGENITA, JACKSON-LAWLER TYPE; PC-K17. Identifiers: Orphanet 2309, MedGen C1721007, MONDO:0008174, OMIM 167210.
Steatocystoma multiplex. Also called: Sebocystomatosis; Disseminated sebocystomatosis. Identifiers: Orphanet 841, MedGen C0259771, MONDO:0008485, OMIM 184500, HP:0012035.
Abnormality of the skin. Identifiers: MedGen C5848159, HP:0000951.

Submissions (9):

GeneDx
Classification: Pathogenic. Last evaluated: 2026-09-04. Review status: criteria provided, single submitter. Criteria: GeneDx Variant Classification Process June 2021. Collection method: clinical testing. Allele origin: germline.
Comment: Located in the highly conserved helix initiation motif of the alpha-helical rod domain, which is intolerant to change; variants in this motif interfere with proper keratin intermediate filament assembly and function, resulting in skin fragility and/or hyperkeratosis (PMID: 21176769); Not observed at significant frequency in large population cohorts (gnomAD); In silico analysis supports that this missense variant has a deleterious effect on protein structure/function; This variant is associated with the following publications: (PMID: 16250206, 26165312, 19107515, 21262598, 24218583, 17719747, 25656049, 15102078, 22336949, 9632020, 21326300, 12653736, 20082890, 21601946, 24611874, 24030314, 24842198, 28794556, 31823354, 31598941, 35606927, 31535756, 33486795, 38374194, 42376483, 40686559, 42422900, 42518883, 9767294, 9008238, 21176769)

Labcorp Genetics (formerly Invitae), Labcorp
Classification: Pathogenic. Last evaluated: 2024-02-17. Review status: criteria provided, single submitter. Criteria: Invitae Variant Classification Sherloc (09022015). Collection method: clinical testing. Allele origin: germline.
Comment: This sequence change replaces asparagine, which is neutral and polar, with serine, which is neutral and polar, at codon 92 of the KRT17 protein (p.Asn92Ser). This variant is not present in population databases (gnomAD no frequency). This missense change has been observed in individuals with pachyonychia congenita (PMID: 22336949, 31823354). It has also been observed to segregate with disease in related individuals. ClinVar contains an entry for this variant (Variation ID: 14587). Advanced modeling of protein sequence and biophysical properties (such as structural, functional, and spatial information, amino acid conservation, physicochemical variation, residue mobility, and thermodynamic stability) has been performed at Invitae for this missense variant, however the output from this modeling did not meet the statistical confidence thresholds required to predict the impact of this variant on KRT17 protein function. For these reasons, this variant has been classified as Pathogenic.

Blueprint Genetics
Classification: Pathogenic for KRT17-related disorders. Last evaluated: 2023-03-06. Review status: criteria provided, single submitter. Criteria: ACMG Guidelines, 2015. Collection method: clinical testing. Allele origin: germline. Affected: yes. Observed: 1 variant allele.

MGZ Medical Genetics Center
Classification: Pathogenic for Pachyonychia congenita 2. Last evaluated: 2022-07-12. Review status: criteria provided, single submitter. Criteria: ACMG Guidelines, 2015. Collection method: clinical testing. Allele origin: germline. Affected: yes. Observed: 1 variant allele.
Comment: ACMG criteria applied: PS4, PM1, PM5, PM2_SUP, PP1, PP3

Fulgent Genetics
Classification: Pathogenic for Pachyonychia congenita 2; Steatocystoma multiplex. Last evaluated: 2021-12-23. Review status: criteria provided, single submitter. Criteria: ACMG Guidelines, 2015. Collection method: clinical testing. Allele origin: unknown.

Kariminejad - Najmabadi Pathology & Genetics Center
Classification: Pathogenic for Abnormality of the skin. Last evaluated: 2021-07-10. Review status: criteria provided, single submitter. Criteria: ACMG Guidelines, 2015. Collection method: clinical testing. Allele origin: de novo. Affected: yes.

OMIM
Classification: Pathogenic for PACHYONYCHIA CONGENITA 2. Last evaluated: 1998-09-01. Review status: no assertion criteria provided. Collection method: literature only. Allele origin: germline. Not counted in ClinVar's aggregate classification.

Epithelial Biology;  Institute of Medical Biology, Singapore
No classification provided. Review status: no classification provided. Collection method: not provided. Allele origin: not provided. Not counted in ClinVar's aggregate classification.

GeneReviews
No classification provided. Condition: Pachyonychia congenita 2. Review status: no classification provided. Collection method: literature only. Allele origin: germline. Affected: yes. Not counted in ClinVar's aggregate classification.

Literature cited by the submitters: PubMed 22336949 (cited by Labcorp Genetics (formerly Invitae), Labcorp); PubMed 31823354 (cited by Labcorp Genetics (formerly Invitae), Labcorp); PubMed 9008238 (cited by OMIM); PubMed 2248894 (cited by OMIM); PubMed 9767294 (cited by OMIM); NCBI Bookshelf NBK1280 (cited by GeneReviews).

NM_000422.3(KRT17):c.275A>G (p.Asn92Ser)

Gene: KRT17 (keratin 17; minus strand). Cytogenetic location: 17q21.2.
Variant type: single nucleotide variant.
Coding change: c.275A>G on transcript NM_000422.3 (MANE Select); coding-DNA position 275, A replaced by G.
Protein change: p.Asn92Ser; replaces asparagine 92 with serine.
Molecular consequence: missense variant.
Genome position (GRCh38, 1-based): chr17:41,624,235, T>C on the plus strand (A>G on the coding strand, the complement: KRT17 is on the minus strand). VCF-style: chr17-41624235-T-C. GRCh37 (hg19) VCF-style: chr17-39780487-T-C.
Other names: short protein forms N92S.
Identifiers: ClinVar variation 14587 (VCV000014587.38), dbSNP rs59151893, ClinGen allele CA216610.